The following is an entry in ClinVar:

ClinVar aggregate classification (germline): Uncertain significance (1 of 4 stars; one submission).

Conditions:
Long QT syndrome (LQTS). Identifiers: MedGen C0023976, MeSH D008133, MONDO:0002442. Disease mechanism: loss of function. Inheritance: Various modes of inheritance.

Submission:

Labcorp Genetics (formerly Invitae), Labcorp
Classification: Uncertain significance for Long QT syndrome. Last evaluated: 2023-05-05. Review status: criteria provided, single submitter. Criteria: Invitae Variant Classification Sherloc (09022015). Collection method: clinical testing. Allele origin: germline.
Comment: This variant has not been reported in the literature in individuals affected with ANK2-related conditions. This sequence change replaces proline, which is neutral and non-polar, with glutamine, which is neutral and polar, at codon 1926 of the ANK2 protein (p.Pro1926Gln). This variant is not present in population databases (gnomAD no frequency). An algorithm developed to predict the effect of missense changes on protein structure and function (PolyPhen-2) suggests that this variant is likely to be disruptive. In summary, the available evidence is currently insufficient to determine the role of this variant in disease. Therefore, it has been classified as a Variant of Uncertain Significance.

NM_001148.6(ANK2):c.5777C>A (p.Pro1926Gln)

Genes: ANK2 (ankyrin 2; plus strand), LOC126807136 (MED14-independent group 3 enhancer GRCh37_chr4:114274931-114276130; plus strand). Cytogenetic location: 4q26.
Variant type: single nucleotide variant.
Coding change: c.5777C>A on transcript NM_001148.6 (MANE Select); coding-DNA position 5777, C replaced by A.
Protein change: p.Pro1926Gln; replaces proline 1926 with glutamine.
Molecular consequence: missense variant. On other transcripts: intron variant (68).
Genome position (GRCh38, 1-based): chr4:113,354,395, C>A. VCF-style: chr4-113354395-C-A. GRCh37 (hg19) VCF-style: chr4-114275551-C-A.
Other names: c.5543C>A, p.Pro1848Gln (NM_001386142.1); c.2177C>A, p.Pro726Gln (NM_001386166.1); c.5918C>A, p.Pro1973Gln (NM_001386174.1); c.5894C>A, p.Pro1965Gln (NM_001386175.1); c.4411+4146C>A (NM_001386186.2, NM_001386148.2); c.4213+4146C>A (NM_001354269.3); c.4291+4146C>A (NM_001386187.2); c.4252+4146C>A (NM_001386147.1); and 35 more; short protein forms P1926Q, P726Q, P1965Q, P1973Q, P1848Q.
Identifiers: ClinVar variation 2850236 (VCV002850236.3), dbSNP rs764446660, ClinGen allele CA357921263.
Genomic context (GRCh38, chr4:113,354,395, plus strand): 5'-CTTCAGGCAAAACAGACAAACGTCCACCTGTATCGCCCTCCGGGAGGACAGAAAAACACC[C>A]GCCAGTATCGCCTGGGAGAACAGAAAAACGCTTGCCTGTTTCACCCTCCGGAAGAACGGA-3'
Protein context (NP_001139.3, residues 1916-1936): VSPSGRTEKH[Pro1926Gln]PVSPGRTEKR